The following is an entry in ClinVar:

ClinVar aggregate classification (germline): Uncertain significance (1 of 4 stars; one submission).

Conditions:
Methylmalonic aciduria and homocystinuria type cblF. Also called: VITAMIN B12 LYSOSOMAL RELEASE DEFECT; VITAMIN B12 STORAGE DISEASE; COBALAMIN F DISEASE; COBALAMIN, DEFECT IN LYSOSOMAL RELEASE OF; METHYLMALONIC ACIDEMIA AND HOMOCYSTINURIA, cblF TYPE; METHYLMALONIC ACIDURIA DUE TO VITAMIN B12-RELEASE DEFECT. Identifiers: Orphanet 79284, MedGen C1848578, MONDO:0010183, OMIM 277380.

Allele frequency attached by ClinVar (database versions not stated): TOPMed below 0.00001.

Submission:

Labcorp Genetics (formerly Invitae), Labcorp
Classification: Uncertain significance for Methylmalonic aciduria and homocystinuria type cblF. Last evaluated: 2021-07-19. Review status: criteria provided, single submitter. Criteria: Invitae Variant Classification Sherloc (09022015). Collection method: clinical testing. Allele origin: germline.
Comment: In summary, the available evidence is currently insufficient to determine the role of this variant in disease. Therefore, it has been classified as a Variant of Uncertain Significance. Algorithms developed to predict the effect of missense changes on protein structure and function are either unavailable or do not agree on the potential impact of this missense change (SIFT: "Deleterious"; PolyPhen-2: "Benign"; Align-GVGD: "Class C0"). This variant has not been reported in the literature in individuals affected with LMBRD1-related conditions. This variant is not present in population databases (ExAC no frequency). This sequence change replaces glutamic acid with glutamine at codon 243 of the LMBRD1 protein (p.Glu243Gln). The glutamic acid residue is highly conserved and there is a small physicochemical difference between glutamic acid and glutamine.

NM_018368.4(LMBRD1):c.727G>C (p.Glu243Gln)

Gene: LMBRD1 (LMBR1 domain containing 1; minus strand). Cytogenetic location: 6q13.
Variant type: single nucleotide variant.
Coding change: c.727G>C on transcript NM_018368.4 (MANE Select); coding-DNA position 727, G replaced by C.
Protein change: p.Glu243Gln; replaces glutamic acid 243 with glutamine.
Molecular consequence: missense variant.
Genome position (GRCh38, 1-based): chr6:69,718,991, C>G on the plus strand (G>C on the coding strand, the complement: LMBRD1 is on the minus strand). VCF-style: chr6-69718991-C-G. GRCh37 (hg19) VCF-style: chr6-70428883-C-G.
Other names: c.508G>C, p.Glu170Gln (NM_001363722.2, NM_001367271.1, NM_001367272.1); short protein forms E243Q, E170Q.
Identifiers: ClinVar variation 1365025 (VCV001365025.8), dbSNP rs1766553572, ClinGen allele CA364668749.
Genomic context (GRCh38, chr6:69,718,991, plus strand): 5'-CAATTACACCAAAACATCAACTCACTTTTGATTTAATCGTTTGAATGTGTTGTTCTACTT[C>G]TTCAATGTCTTCAGTGTTTTCCAAACGTTCATAAGCAGCGCTTCTAGTGCCTTTTATCAG-3'
Protein context (NP_060838.3, residues 233-253): ERLENTEDIE[Glu243Gln]VEQHIQTIKS